The following is an entry in ClinVar:

ClinVar aggregate classification (germline): Uncertain significance (1 of 4 stars; one submission).

gnomAD v4.1: 2 of 1,613,928 alleles (0.00012%); highest among the groups gnomAD compares: Non-Finnish European, 0.000085%; no homozygotes.

Submission:

Labcorp Genetics (formerly Invitae), Labcorp
Classification: Uncertain significance. Last evaluated: 2025-04-18. Review status: criteria provided, single submitter. Criteria: Invitae Variant Classification Sherloc (09022015). Collection method: clinical testing. Allele origin: germline.
Comment: This sequence change replaces proline, which is neutral and non-polar, with serine, which is neutral and polar, at codon 594 of the COL11A1 protein (p.Pro594Ser). This variant is not present in population databases (gnomAD no frequency). This variant has not been reported in the literature in individuals affected with COL11A1-related conditions. Invitae Evidence Modeling of protein sequence and biophysical properties (such as structural, functional, and spatial information, amino acid conservation, physicochemical variation, residue mobility, and thermodynamic stability) indicates that this missense variant is not expected to disrupt COL11A1 protein function with a negative predictive value of 80%. In summary, the available evidence is currently insufficient to determine the role of this variant in disease. Therefore, it has been classified as a Variant of Uncertain Significance.

NM_001854.4(COL11A1):c.1780C>T (p.Pro594Ser)

Gene: COL11A1 (collagen type XI alpha 1 chain; minus strand). Cytogenetic location: 1p21.1.
Variant type: single nucleotide variant.
Coding change: c.1780C>T on transcript NM_001854.4 (MANE Select); coding-DNA position 1780, C replaced by T.
Protein change: p.Pro594Ser; replaces proline 594 with serine.
Molecular consequence: missense variant. On other transcripts: non-coding transcript variant (1).
Genome position (GRCh38, 1-based): chr1:103,006,079, G>A on the plus strand (C>T on the coding strand, the complement: COL11A1 is on the minus strand). VCF-style: chr1-103006079-G-A. GRCh37 (hg19) VCF-style: chr1-103471635-G-A.
Other names: c.1663C>T, p.Pro555Ser (NM_001190709.2); c.1816C>T, p.Pro606Ser (NM_080629.3); c.1432C>T, p.Pro478Ser (NM_080630.4); short protein forms P478S, P555S, P594S, P606S.
Identifiers: ClinVar variation 4808175 (VCV004808175.1).